The following is an entry in ClinVar:

NM_032043.3(BRIP1):c.233A>G (p.Glu78Gly)

Gene: BRIP1 (BRCA1 interacting DNA helicase 1; minus strand). Cytogenetic location: 17q23.2.
Variant type: single nucleotide variant.
Coding change: c.233A>G on transcript NM_032043.3 (MANE Select); coding-DNA position 233, A replaced by G.
Protein change: p.Glu78Gly; replaces glutamic acid 78 with glycine.
Molecular consequence: missense variant.
Genome position (GRCh38, 1-based): chr17:61,857,204, T>C on the plus strand (A>G on the coding strand, the complement: BRIP1 is on the minus strand). VCF-style: chr17-61857204-T-C. GRCh37 (hg19) VCF-style: chr17-59934565-T-C.
Other names: short protein forms E78G.
Identifiers: ClinVar variation 4783554 (VCV004783554.2).
Genomic context (GRCh38, chr17:61,857,204, plus strand): 5'-TTGTTTGTAAAATCCTTTGAATGGCATGCACAACAACATGACAATTGTACTTCAGCTTTT[T>C]CACTTACGCCCTCATCTGCTGGTTTCCCTAAAAATGAAAGAACATCTATTTATAATATAT-3'
Protein context (NP_114432.2, residues 68-88): SGKPADEGVS[Glu78Gly]KAEVQLSCCC

ClinVar aggregate classification (germline): Conflicting classifications of pathogenicity. Review status: criteria provided, conflicting classifications (1 of 4 stars). 2 submissions from 2 submitters: Uncertain significance (1); Likely benign (1). Last evaluated 2026-07-07.

Conditions:
Fanconi anemia complementation group J. Also called: BRIP1-Related Fanconi Anemia. Identifiers: Orphanet 84, MedGen C1836860, MONDO:0012187, OMIM 609054.
Familial cancer of breast. Also called: BREAST CANCER, FAMILIAL; Hereditary breast cancer; hereditary breast carcinoma. Identifiers: Orphanet 227535, MedGen C0346153, MONDO:0016419, OMIM 114480. Disease mechanism: loss of function.
Hereditary cancer-predisposing syndrome. Also called: Hereditary Cancer Syndrome; Hereditary neoplastic syndrome; Neoplastic Syndromes, Hereditary; Tumor predisposition. Identifiers: Orphanet 140162, MedGen C0027672, MeSH D009386, MONDO:0015356.

Submissions (2):

Ambry Genetics
Classification: Likely benign for Hereditary cancer-predisposing syndrome. Last evaluated: 2026-07-07. Review status: criteria provided, single submitter. Criteria: Ambry Variant Classification Scheme 2023. Collection method: clinical testing. Allele origin: germline.

Labcorp Genetics (formerly Invitae), Labcorp
Classification: Uncertain significance for Familial cancer of breast; Fanconi anemia complementation group J. Last evaluated: 2025-02-06. Review status: criteria provided, single submitter. Criteria: Invitae Variant Classification Sherloc (09022015). Collection method: clinical testing. Allele origin: germline.
Comment: This sequence change replaces glutamic acid, which is acidic and polar, with glycine, which is neutral and non-polar, at codon 78 of the BRIP1 protein (p.Glu78Gly). This variant is not present in population databases (gnomAD no frequency). This variant has not been reported in the literature in individuals affected with BRIP1-related conditions. Invitae Evidence Modeling of protein sequence and biophysical properties (such as structural, functional, and spatial information, amino acid conservation, physicochemical variation, residue mobility, and thermodynamic stability) indicates that this missense variant is not expected to disrupt BRIP1 protein function with a negative predictive value of 95%. In summary, the available evidence is currently insufficient to determine the role of this variant in disease. Therefore, it has been classified as a Variant of Uncertain Significance.